The following is an entry in ClinVar:

ClinVar aggregate classification (germline): Uncertain significance (1 of 4 stars; one submission).

Conditions:
Gorlin syndrome. Also called: Nevoid Basal Cell Carcinoma Syndrome; Basal cell nevus syndrome. Identifiers: Orphanet 377, MedGen C0004779, MONDO:0007187.

Allele frequency attached by ClinVar (database versions not stated): gnomAD exomes below 0.00001.
gnomAD v4.1: 3 of 1,614,220 alleles (0.00019%); highest among the groups gnomAD compares: Non-Finnish European, 0.00025%; no homozygotes.

Submission:

Labcorp Genetics (formerly Invitae), Labcorp
Classification: Uncertain significance for Gorlin syndrome. Last evaluated: 2024-06-21. Review status: criteria provided, single submitter. Criteria: Invitae Variant Classification Sherloc (09022015). Collection method: clinical testing. Allele origin: germline.
Comment: This sequence change replaces leucine, which is neutral and non-polar, with phenylalanine, which is neutral and non-polar, at codon 645 of the PTCH2 protein (p.Leu645Phe). This variant is not present in population databases (gnomAD no frequency). This variant has not been reported in the literature in individuals affected with PTCH2-related conditions. ClinVar contains an entry for this variant (Variation ID: 568529). Advanced modeling of protein sequence and biophysical properties (such as structural, functional, and spatial information, amino acid conservation, physicochemical variation, residue mobility, and thermodynamic stability) performed at Invitae indicates that this missense variant is not expected to disrupt PTCH2 protein function with a negative predictive value of 80%. In summary, the available evidence is currently insufficient to determine the role of this variant in disease. Therefore, it has been classified as a Variant of Uncertain Significance.

NM_003738.5(PTCH2):c.1933C>T (p.Leu645Phe)

Gene: PTCH2 (patched 2; minus strand). Cytogenetic location: 1p34.1.
Variant type: single nucleotide variant.
Coding change: c.1933C>T on transcript NM_003738.5 (MANE Select); coding-DNA position 1933, C replaced by T.
Protein change: p.Leu645Phe; replaces leucine 645 with phenylalanine.
Molecular consequence: missense variant.
Genome position (GRCh38, 1-based): chr1:44,827,968, G>A on the plus strand (C>T on the coding strand, the complement: PTCH2 is on the minus strand). VCF-style: chr1-44827968-G-A. GRCh37 (hg19) VCF-style: chr1-45293640-G-A.
Other names: c.1933C>T, p.Leu645Phe (NM_001166292.2); short protein forms L645F.
Identifiers: ClinVar variation 568529 (VCV000568529.7), dbSNP rs1557644727, ClinGen allele CA340098925.